The following is an entry in ClinVar:

ClinVar aggregate classification (germline): Uncertain significance (1 of 4 stars; one submission).

Conditions:
Regional enteritis. Also called: Enteritis, Granulomatous. Identifiers: MedGen C0678202, MeSH D003424.
Blau syndrome (BLAUS). Also called: ARTHROCUTANEOUVEAL GRANULOMATOSIS; GRANULOMATOSIS, FAMILIAL JUVENILE SYSTEMIC; GRANULOMATOSIS, FAMILIAL, BLAU TYPE; GRANULOMATOUS INFLAMMATORY ARTHRITIS, DERMATITIS, AND UVEITIS, FAMILIAL; JABS SYNDROME. Identifiers: Orphanet 90340, MedGen C5201146, MONDO:0008523, OMIM 186580.

gnomAD v4.1: 5 of 1,614,194 alleles (0.00031%); highest among the groups gnomAD compares: Non-Finnish European, 0.00042%; no homozygotes.

Submission:

Labcorp Genetics (formerly Invitae), Labcorp
Classification: Uncertain significance for Regional enteritis; Blau syndrome. Last evaluated: 2024-06-07. Review status: criteria provided, single submitter. Criteria: Invitae Variant Classification Sherloc (09022015). Collection method: clinical testing. Allele origin: germline.
Comment: This sequence change replaces glycine, which is neutral and non-polar, with valine, which is neutral and non-polar, at codon 897 of the NOD2 protein (p.Gly897Val). This variant is present in population databases (rs746542083, gnomAD 0.002%). This variant has not been reported in the literature in individuals affected with NOD2-related conditions. Advanced modeling of protein sequence and biophysical properties (such as structural, functional, and spatial information, amino acid conservation, physicochemical variation, residue mobility, and thermodynamic stability) performed at Invitae indicates that this missense variant is not expected to disrupt NOD2 protein function with a negative predictive value of 95%. In summary, the available evidence is currently insufficient to determine the role of this variant in disease. Therefore, it has been classified as a Variant of Uncertain Significance.

NM_001370466.1(NOD2):c.2609G>T (p.Gly870Val)

Gene: NOD2 (nucleotide binding oligomerization domain containing 2; plus strand). Cytogenetic location: 16q12.1.
Variant type: single nucleotide variant.
Coding change: c.2609G>T on transcript NM_001370466.1 (MANE Select); coding-DNA position 2609, G replaced by T.
Protein change: p.Gly870Val; replaces glycine 870 with valine.
Molecular consequence: missense variant. On other transcripts: non-coding transcript variant (1).
Genome position (GRCh38, 1-based): chr16:50,719,984, G>T. VCF-style: chr16-50719984-G-T. GRCh37 (hg19) VCF-style: chr16-50753895-G-T.
Other names: c.2609G>T, p.Gly870Val (NM_001293557.2); c.2690G>T, p.Gly897Val (NM_022162.3); short protein forms G870V, G897V.
Identifiers: ClinVar variation 3763670 (VCV003763670.2).
Genomic context (GRCh38, chr16:50,719,984, plus strand): 5'-GGCTGGGGAATAACTACATCACTGCCGCGGGAGCCCAAGTGCTGGCCGAGGGGCTCCGAG[G>T]CAACACCTCCTTGCAGTTCCTGGGGTAGGTTGGATTCCAGGAAGAGGGACCTGCATGGAG-3'
Protein context (NP_001357395.1, residues 860-880): GAQVLAEGLR[Gly870Val]NTSLQFLGFW